The following is an entry in ClinVar:

NM_001114134.2(EPB42):c.1602G>A (p.Thr534=)

Gene: EPB42 (erythrocyte membrane protein band 4.2; minus strand). Cytogenetic location: 15q15.2.
Variant type: single nucleotide variant.
Coding change: c.1602G>A on transcript NM_001114134.2 (MANE Select); coding-DNA position 1602, G replaced by A.
Protein change: p.Thr534=; no amino-acid change (threonine 534 retained).
Molecular consequence: synonymous variant.
Genome position (GRCh38, 1-based): chr15:43,206,346, C>T on the plus strand (G>A on the coding strand, the complement: EPB42 is on the minus strand). VCF-style: chr15-43206346-C-T. GRCh37 (hg19) VCF-style: chr15-43498544-C-T.
Other names: c.1692G>A, p.Thr564= (NM_000119.3).
Identifiers: ClinVar variation 886392 (VCV000886392.15), dbSNP rs149742998, ClinGen allele CA7520303.

ClinVar aggregate classification (germline): Conflicting classifications of pathogenicity. Review status: criteria provided, conflicting classifications (1 of 4 stars). 4 submissions from 4 submitters: Uncertain significance (1); Likely benign (2). 1 of the submissions does not count toward it. Last evaluated 2025-12-24.

Conditions:
EPB42-related disorder. Also called: EPB42-related condition.
Hereditary spherocytosis type 5. Also called: EPB42-Related Spherocytosis; EPB42-Related Hereditary Spherocytosis. Identifiers: Orphanet 822, MedGen C2675192, MONDO:0012985, OMIM 612690.

Allele frequency attached by ClinVar (database versions not stated): 1000 Genomes Project 30x 0.00016; 1000 Genomes Project 0.00020; ExAC 0.00038; gnomAD exomes 0.00038; TOPMed 0.00041; gnomAD 0.00045 and 0.00048; ESP Exome Variant Server 0.00054.
gnomAD v4.1: 874 of 1,611,708 alleles (0.054%); highest among the groups gnomAD compares: Non-Finnish European, 0.071%; 1 homozygote.

Submissions (4):

Labcorp Genetics (formerly Invitae), Labcorp
Classification: Likely benign. Last evaluated: 2025-12-24. Review status: criteria provided, single submitter. Criteria: Invitae Variant Classification Sherloc (09022015). Collection method: clinical testing. Allele origin: germline.

ARUP Laboratories, Molecular Genetics and Genomics, ARUP Laboratories
Classification: Likely benign for Hereditary spherocytosis type 5. Last evaluated: 2022-11-23. Review status: criteria provided, single submitter. Criteria: ARUP Molecular Germline Variant Investigation Process 2021. Collection method: clinical testing. Allele origin: germline.

Illumina Laboratory Services, Illumina
Classification: Uncertain significance for Hereditary spherocytosis type 5. Last evaluated: 2018-03-16. Review status: criteria provided, single submitter. Criteria: ICSL Variant Classification Criteria 13 December 2019. Collection method: clinical testing. Allele origin: germline.

PreventionGenetics, part of Exact Sciences
Classification: Likely benign for EPB42-related condition. Last evaluated: 2019-09-10. Review status: no assertion criteria provided. Collection method: clinical testing. Allele origin: germline. Not counted in ClinVar's aggregate classification.
Comment: This variant is classified as likely benign based on ACMG/AMP sequence variant interpretation guidelines (Richards et al. 2015 PMID: 25741868, with internal and published modifications).